The following is an entry in ClinVar:

ClinVar aggregate classification (germline): Uncertain significance (1 of 4 stars; one submission).

Submission:

GeneDx
Classification: Uncertain significance. Last evaluated: 2026-03-12. Review status: criteria provided, single submitter. Criteria: GeneDx Variant Classification Process June 2021. Collection method: clinical testing. Allele origin: germline.
Comment: Not observed at significant frequency in large population cohorts (gnomAD); In silico analysis supports that this missense variant has a deleterious effect on protein structure/function; Has not been previously published as pathogenic or benign to our knowledge

NM_001079872.2(CUL4B):c.572C>T (p.Pro191Leu)

Gene: CUL4B (cullin 4B; minus strand). Cytogenetic location: Xq24.
Variant type: single nucleotide variant.
Coding change: c.572C>T on transcript NM_001079872.2 (MANE Select); coding-DNA position 572, C replaced by T.
Protein change: p.Pro191Leu; replaces proline 191 with leucine.
Molecular consequence: missense variant.
Genome position (GRCh38, 1-based): chrX:120,558,024, G>A on the plus strand (C>T on the coding strand, the complement: CUL4B is on the minus strand). VCF-style: chrX-120558024-G-A. GRCh37 (hg19) VCF-style: chrX-119691879-G-A.
Other names: c.587C>T, p.Pro196Leu (NM_001330624.2); c.38C>T, p.Pro13Leu (NM_001369145.1); c.626C>T, p.Pro209Leu (NM_003588.4); short protein forms P191L, P196L, P13L, P209L.
Identifiers: ClinVar variation 5008984 (VCV005008984.1).
Genomic context (GRCh38, chrX:120,558,024, plus strand): 5'-TTCTGAATAGCTTCCACTGCTTCTTTCAGTTTTTGCCAGGTTTCATCTGTGTAGTTTTCT[G>A]GTAATTTAGGCTTATCTAGATGATATGTAAAAGGTTGGCATCAGAATACCATGTCAGATA-3'
Protein context (NP_001073341.1, residues 181-201): IKNFKDKPKL[Pro191Leu]ENYTDETWQK